The following is an entry in ClinVar:

NM_000245.4(MET):c.2951dup (p.Ser985fs)

Gene: MET (MET proto-oncogene, receptor tyrosine kinase; plus strand). Cytogenetic location: 7q31.2.
Variant type: Duplication.
Coding change: c.2951dup on transcript NM_000245.4 (MANE Select); coding-DNA position 2951, one base duplicated (T; older notation c.2951dupT).
Protein change: p.Ser985fs; shifts the reading frame from serine 985.
Molecular consequence: frameshift variant.
Genome position (GRCh38, 1-based): chr7:116,771,912, T duplicated. VCF-style (leftmost placement, unchanged base first): chr7-116771911-G-GT. GRCh37 (hg19) VCF-style: chr7-116411965-G-GT.
Other names: c.3005dup, p.Ser1003fs (NM_001127500.3); c.1661dup, p.Ser555fs (NM_001324402.2); short protein forms S555fs, S985fs, S1003fs.
Identifiers: ClinVar variation 2801247 (VCV002801247.3), dbSNP rs2485779097, ClinGen allele CA2739279962.
Genomic context (GRCh38, chr7:116,771,911, plus strand): 5'-CTGGGCAGTGAATTAGTTCGCTACGATGCAAGAGTACACACTCCTCATTTGGATAGGCTT[G>GT]TAAGTGCCCGAAGTGTAAGCCCAACTACAGAAATGGTTTCAAATGAATCTGTAGACTACC-3'

ClinVar aggregate classification (germline): Uncertain significance (1 of 4 stars; one submission).

Conditions:
Renal cell carcinoma. Identifiers: Orphanet 217071, MedGen C0007134, MeSH D002292, MONDO:0005086, HP:0005584.

Submission:

Labcorp Genetics (formerly Invitae), Labcorp
Classification: Uncertain significance for Renal cell carcinoma. Last evaluated: 2023-03-26. Review status: criteria provided, single submitter. Criteria: Invitae Variant Classification Sherloc (09022015). Collection method: clinical testing. Allele origin: germline.
Comment: In summary, the available evidence is currently insufficient to determine the role of this variant in disease. Therefore, it has been classified as a Variant of Uncertain Significance. This variant has not been reported in the literature in individuals affected with MET-related conditions. This variant is not present in population databases (gnomAD no frequency). This sequence change creates a premature translational stop signal (p.Ser1003Lysfs*15) in the MET gene. It is expected to result in an absent or disrupted protein product. However, the current clinical and genetic evidence is not sufficient to establish whether loss-of-function variants in MET cause disease.